The following is an entry in ClinVar:

NM_014611.3(MDN1):c.12357T>G (p.Ile4119Met)

Genes: MDN1 (midasin AAA ATPase 1; minus strand), MDN1-AS1 (MDN1 antisense RNA 1; plus strand). Cytogenetic location: 6q15.
Variant type: single nucleotide variant.
Coding change: c.12357T>G on transcript NM_014611.3 (MANE Select); coding-DNA position 12357, T replaced by G.
Protein change: p.Ile4119Met; replaces isoleucine 4119 with methionine.
Molecular consequence: missense variant.
Genome position (GRCh38, 1-based): chr6:89,678,654, A>C on the plus strand (T>G on the coding strand, the complement: MDN1 is on the minus strand). VCF-style: chr6-89678654-A-C. GRCh37 (hg19) VCF-style: chr6-90388373-A-C.
Other names: c.12357T>G (NM_014611.1); short protein forms I4119M.
Identifiers: ClinVar variation 3035639 (VCV003035639.3), dbSNP rs116712728, ClinGen allele CA3923078.

ClinVar aggregate classification (germline): Uncertain significance. Review status: criteria provided, single submitter (1 of 4 stars). 2 submissions from 2 submitters: Uncertain significance (1). 1 of the submissions does not count toward it. Last evaluated 2025-08-01.

Conditions:
MDN1-related disorder. Also called: MDN1-related condition.

Allele frequency attached by ClinVar (database versions not stated): gnomAD 0.00281; ESP Exome Variant Server 0.00292; TOPMed 0.00299; 1000 Genomes Project 0.00479; 1000 Genomes Project 30x 0.00578.
gnomAD v4.1: 785 of 1,614,064 alleles (0.049%); highest among the groups gnomAD compares: African/African-American, 0.91%; 6 homozygotes.

Submissions (2):

Ambry Genetics
Classification: Uncertain significance. Last evaluated: 2025-08-01. Review status: criteria provided, single submitter. Criteria: Ambry Variant Classification Scheme 2023. Collection method: clinical testing. Allele origin: germline.

PreventionGenetics, part of Exact Sciences
Classification: Benign for MDN1-related condition. Last evaluated: 2019-02-19. Review status: no assertion criteria provided. Collection method: clinical testing. Allele origin: germline. Not counted in ClinVar's aggregate classification.
Comment: This variant is classified as benign based on ACMG/AMP sequence variant interpretation guidelines (Richards et al. 2015 PMID: 25741868, with internal and published modifications).